The following is an entry in ClinVar:

NM_023077.3(COA7):c.447T>C (p.Ser149=)

Genes: COA7 (cytochrome c oxidase assembly factor 7; minus strand), LOC129388524 (MPRA-validated peak230 silencer; plus strand). Cytogenetic location: 1p32.3.
Variant type: single nucleotide variant.
Coding change: c.447T>C on transcript NM_023077.3 (MANE Select); coding-DNA position 447, T replaced by C.
Protein change: p.Ser149=; no amino-acid change (serine 149 retained).
Molecular consequence: synonymous variant.
Genome position (GRCh38, 1-based): chr1:52,687,969, A>G on the plus strand (T>C on the coding strand, the complement: COA7 is on the minus strand). VCF-style: chr1-52687969-A-G. GRCh37 (hg19) VCF-style: chr1-53153641-A-G.
Identifiers: ClinVar variation 3047707 (VCV003047707.4), dbSNP rs867548158, ClinGen allele CA22543772.

ClinVar aggregate classification (germline): Likely benign. Review status: criteria provided, single submitter (1 of 4 stars). 2 submissions from 2 submitters: Likely benign (1). 1 of the submissions does not count toward it. Last evaluated 2024-06-29.

Conditions:
COA7-related disorder. Also called: COA7-related condition.

Allele frequency attached by ClinVar (database versions not stated): gnomAD exomes 0.00001.

Submissions (2):

Labcorp Genetics (formerly Invitae), Labcorp
Classification: Likely benign. Last evaluated: 2024-06-29. Review status: criteria provided, single submitter. Criteria: Invitae Variant Classification Sherloc (09022015). Collection method: clinical testing. Allele origin: germline.

PreventionGenetics, part of Exact Sciences
Classification: Likely benign for COA7-related condition. Last evaluated: 2020-03-23. Review status: no assertion criteria provided. Collection method: clinical testing. Allele origin: germline. Not counted in ClinVar's aggregate classification.
Comment: This variant is classified as likely benign based on ACMG/AMP sequence variant interpretation guidelines (Richards et al. 2015 PMID: 25741868, with internal and published modifications).